The following is an entry in ClinVar:

ClinVar aggregate classification (germline): Uncertain significance (1 of 4 stars; one submission).

Conditions:
Familial adenomatous polyposis 2. Also called: COLORECTAL ADENOMATOUS POLYPOSIS, AUTOSOMAL RECESSIVE; MUTYH Polyposis; MUTYH-associated polyposis; MUTYH-related attenuated familial adenomatous polyposis; Adenomas, multiple colorectal; ADENOMAS, MULTIPLE COLORECTAL, AUTOSOMAL RECESSIVE. Identifiers: Orphanet 220460, Orphanet 247798, MedGen C3272841, MONDO:0012041, OMIM 608456.

Submission:

Labcorp Genetics (formerly Invitae), Labcorp
Classification: Uncertain significance for Familial adenomatous polyposis 2. Last evaluated: 2021-09-01. Review status: criteria provided, single submitter. Criteria: Invitae Variant Classification Sherloc (09022015). Collection method: clinical testing. Allele origin: germline.
Comment: This sequence change falls in intron 13 of the MUTYH gene. It does not directly change the encoded amino acid sequence of the MUTYH protein. It affects a nucleotide within the consensus splice site of the intron. This variant is not present in population databases (ExAC no frequency). This variant has not been reported in the literature in individuals affected with MUTYH-related conditions. ClinVar contains an entry for this variant (Variation ID: 406841). Variants that disrupt the consensus splice site are a relatively common cause of aberrant splicing (PMID: 17576681, 9536098). Algorithms developed to predict the effect of sequence changes on RNA splicing suggest that this variant is not likely to affect RNA splicing. In summary, the available evidence is currently insufficient to determine the role of this variant in disease. Therefore, it has been classified as a Variant of Uncertain Significance.

Literature cited by the submitters: PubMed 17576681; PubMed 9536098.

NM_001048174.2(MUTYH):c.1239+6_1239+12del

Gene: MUTYH (mutY DNA glycosylase; minus strand). Cytogenetic location: 1p34.1.
Variant type: Deletion.
Coding change: c.1239+6_1239+12del on transcript NM_001048174.2 (MANE Select); bases 6 to 12 of the intron after coding-DNA position 1239, 7 bases deleted (TGAGCAG; older notation c.1239+6_1239+12delTGAGCAG).
Molecular consequence: intron variant.
Genome position (GRCh38, 1-based): chr1:45,331,408-45,331,414, CTGCTCA deleted on the plus strand (TGAGCAG on the coding strand, the reverse complement: MUTYH is on the minus strand); deleting any 7 consecutive bases within chr1:45,331,408-45,331,416 gives the same sequence; the c. name uses the placement nearest the transcript's 3' end. VCF-style (leftmost placement, unchanged base first): chr1-45331407-GCTGCTCA-G. GRCh37 (hg19) VCF-style: chr1-45797079-GCTGCTCA-G.
Other names: c.1323+6_1323+12delTGAGCAG (NM_001128425.1); c.894+6_894+12del (NM_001350651.2, NM_001350650.2); c.963+6_963+12del (NM_001293192.2, NM_001293196.2); c.1239+6_1239+12del (NM_001048171.2, NM_001048173.2, NM_001293195.2); c.1284+6_1284+12del (NM_001293190.2); c.1314+6_1314+12del (NM_012222.3); c.1323+6_1323+12del (NM_001128425.2); c.1242+6_1242+12del (NM_001048172.2); and 1 more.
Identifiers: ClinVar variation 406841 (VCV000406841.6), dbSNP rs1060501332, ClinGen allele CA16610171.